The following is an entry in ClinVar:

NM_000878.5(IL2RB):c.634C>T (p.Pro212Ser)

Gene: IL2RB (interleukin 2 receptor subunit beta; minus strand). Cytogenetic location: 22q12.3.
Variant type: single nucleotide variant.
Coding change: c.634C>T on transcript NM_000878.5 (MANE Select); coding-DNA position 634, C replaced by T.
Protein change: p.Pro212Ser; replaces proline 212 with serine.
Molecular consequence: missense variant.
Genome position (GRCh38, 1-based): chr22:37,136,297, G>A on the plus strand (C>T on the coding strand, the complement: IL2RB is on the minus strand). VCF-style: chr22-37136297-G-A. GRCh37 (hg19) VCF-style: chr22-37532337-G-A.
Other names: c.634C>T, p.Pro212Ser (NM_001346222.1, NM_001346223.2); short protein forms P212S.
Identifiers: ClinVar variation 1362711 (VCV001362711.6), dbSNP rs138141902, ClinGen allele CA10216564.

ClinVar aggregate classification (germline): Uncertain significance (1 of 4 stars; one submission).

Allele frequency attached by ClinVar (database versions not stated): gnomAD exomes below 0.00001 and 0.00002; gnomAD 0.00001; ExAC 0.00002; TOPMed 0.00002; ESP Exome Variant Server 0.00008.
gnomAD v4.1: 32 of 1,612,962 alleles (0.002%); highest among the groups gnomAD compares: Non-Finnish European, 0.0027%; no homozygotes.

Submission:

Labcorp Genetics (formerly Invitae), Labcorp
Classification: Uncertain significance. Last evaluated: 2025-11-09. Review status: criteria provided, single submitter. Criteria: Invitae Variant Classification Sherloc (09022015). Collection method: clinical testing. Allele origin: germline.
Comment: This sequence change replaces proline, which is neutral and non-polar, with serine, which is neutral and polar, at codon 212 of the IL2RB protein (p.Pro212Ser). This variant is present in population databases (rs138141902, gnomAD 0.002%). This variant has not been reported in the literature in individuals affected with IL2RB-related conditions. ClinVar contains an entry for this variant (Variation ID: 1362711). An algorithm developed to predict the effect of missense changes on protein structure and function outputs the following: PolyPhen-2: "Benign". The serine amino acid residue is found in multiple mammalian species, which suggests that this missense change does not adversely affect protein function. In summary, the available evidence is currently insufficient to determine the role of this variant in disease. Therefore, it has been classified as a Variant of Uncertain Significance.